The following is an entry in ClinVar:

ClinVar aggregate classification (germline): Uncertain significance. Review status: reviewed by expert panel (3 of 4 stars). 4 submissions from 4 submitters: Uncertain significance (1). 3 of the submissions do not count toward it. Last evaluated 2024-06-13.

Conditions:
Severe combined immunodeficiency due to DCLRE1C deficiency (RS-SCID). Also called: SCID, AUTOSOMAL RECESSIVE, T CELL-NEGATIVE, B CELL-NEGATIVE, NK CELL-POSITIVE, WITH SENSITIVITY TO IONIZING RADIATION. Identifiers: Orphanet 275, MedGen C1865371, MONDO:0011225, OMIM 602450.

Allele frequency attached by ClinVar (database versions not stated): gnomAD exomes below 0.00001; ExAC 0.00001; gnomAD 0.00001; TOPMed 0.00001.
gnomAD v4.1: 34 of 1,613,058 alleles (0.0021%); highest among the groups gnomAD compares: Non-Finnish European, 0.0029%; no homozygotes.

Submissions (4):

ClinGen Severe Combined Immunodeficiency Variant Curation Expert Panel, ClinGen
Classification: Uncertain significance for Severe combined immunodeficiency due to DCLRE1C deficiency. Last evaluated: 2024-06-13. Review status: reviewed by expert panel. Criteria: ClinGen SCID ACMG Specifications DCLRE1C V1.0.0. Collection method: curation. Allele origin: germline. Inheritance: Autosomal recessive inheritance.
Comment: The c.475A>T (NM_001033855.3) variant in DCLRE1C is a missense variant predicted to cause the substitution of Isoleucine by Phenylalanine at amino acid 159 (p.Ile159Phe). The filtering allele frequency (the upper threshold of the 95% CI of 34/1179098 alleles) of the c.475A>T variant in DCLRE1C is 0.00002075 for European (non-Finnish) chromosomes by gnomAD v4, which is lower than the ClinGen SCID VCEP threshold (<0.00003266) for PM2_Supporting, and therefore meets this criterion (PM2_Supporting). No homozygotes have been observed in gnomAD. To our knowledge, this variant has not been reported in the literature in individuals affected with SCID/DCLRE1C-related conditions or in functional studies. In summary, this variant meets the criteria to be classified as a variant of uncertain significance for autosomal recessive severe combined immunodeficiency due to DCLRE1C deficiency based on the ACMG/AMP criteria applied, as specified by the ClinGen SCID VCEP: PM2_Supporting (VCEP specifications version 1).

CeGaT Center for Human Genetics Tuebingen
Classification: Uncertain significance. Last evaluated: 2024-12-01. Review status: criteria provided, single submitter. Criteria: CeGaT Center For Human Genetics Tuebingen Variant Classification Criteria Version 2. Collection method: clinical testing. Allele origin: germline. Affected: yes. Observed: 1 variant allele. Not counted in ClinVar's aggregate classification.
Comment: DCLRE1C: PM2, PP3

Blueprint Genetics
Classification: Uncertain significance. Last evaluated: 2024-09-06. Review status: criteria provided, single submitter. Criteria: ACMG Guidelines, 2015. Collection method: clinical testing. Allele origin: germline. Not counted in ClinVar's aggregate classification.

Labcorp Genetics (formerly Invitae), Labcorp
Classification: Uncertain significance for Athabaskan severe combined immunodeficiency. Last evaluated: 2021-09-01. Review status: criteria provided, single submitter. Criteria: Invitae Variant Classification Sherloc (09022015). Collection method: clinical testing. Allele origin: germline. Not counted in ClinVar's aggregate classification.
Comment: This sequence change replaces isoleucine with phenylalanine at codon 159 of the DCLRE1C protein (p.Ile159Phe). The isoleucine residue is highly conserved and there is a small physicochemical difference between isoleucine and phenylalanine. This variant is present in population databases (rs757929355, ExAC 0.002%). This variant has not been reported in the literature in individuals affected with DCLRE1C-related conditions. Algorithms developed to predict the effect of missense changes on protein structure and function are either unavailable or do not agree on the potential impact of this missense change (SIFT: "Tolerated"; PolyPhen-2: "Probably Damaging"; Align-GVGD: "Class C0"). In summary, the available evidence is currently insufficient to determine the role of this variant in disease. Therefore, it has been classified as a Variant of Uncertain Significance.

NM_001033855.3(DCLRE1C):c.475A>T (p.Ile159Phe)

Gene: DCLRE1C (DNA cross-link repair 1C; minus strand). Cytogenetic location: 10p13.
Variant type: single nucleotide variant.
Coding change: c.475A>T on transcript NM_001033855.3 (MANE Select); coding-DNA position 475, A replaced by T.
Protein change: p.Ile159Phe; replaces isoleucine 159 with phenylalanine.
Molecular consequence: missense variant. On other transcripts: non-coding transcript variant (4).
Genome position (GRCh38, 1-based): chr10:14,934,765, T>A on the plus strand (A>T on the coding strand, the complement: DCLRE1C is on the minus strand). VCF-style: chr10-14934765-T-A. GRCh37 (hg19) VCF-style: chr10-14976764-T-A.
Other names: NM_001033855.3(DCLRE1C):c.475A>T; p.Ile159Phe; c.115A>T, p.Ile39Phe (NM_001033857.3, NM_001033858.3, NM_001289077.2 and 2 more transcripts); c.130A>T, p.Ile44Phe (NM_001289076.2, NM_001289078.2, NM_001350966.2 and 1 more transcripts); c.475A>T, p.Ile159Phe (NM_001350965.2); short protein forms I159F, I39F, I44F.
Identifiers: ClinVar variation 1511542 (VCV001511542.28), dbSNP rs757929355, ClinGen allele CA5416824.